The following is an entry in ClinVar:

ClinVar aggregate classification (germline): Uncertain significance. Review status: criteria provided, multiple submitters, no conflicts (2 of 4 stars). 2 submissions from 2 submitters: Uncertain significance (2). Last evaluated 2025-12-08.

Conditions:
NACC1-related disorder. Also called: NACC1-related condition.

Submissions (2):

PreventionGenetics, part of Exact Sciences
Classification: Uncertain significance for NACC1-related condition. Last evaluated: 2025-12-08. Review status: criteria provided, single submitter. Criteria: ACMG Guidelines, 2015. Collection method: clinical testing. Allele origin: germline.
Comment: The NACC1 c.29C>T variant is predicted to result in the amino acid substitution p.Pro10Leu. To our knowledge, this variant has not been reported in the literature or in a large population database (gnomAD), indicating this variant is rare. At this time, the clinical significance of this variant is uncertain due to the absence of conclusive functional and genetic evidence.

GeneDx
Classification: Uncertain significance. Last evaluated: 2019-05-31. Review status: criteria provided, single submitter. Criteria: GeneDx Variant Classification Process June 2021. Collection method: clinical testing. Allele origin: germline. Affected: yes.
Comment: Not observed in large population cohorts (Lek et al., 2016); In silico analysis, which includes protein predictors and evolutionary conservation, supports a deleterious effect; Has not been previously published as pathogenic or benign to our knowledge

NM_052876.4(NACC1):c.29C>T (p.Pro10Leu)

Gene: NACC1 (nucleus accumbens associated 1; plus strand). Cytogenetic location: 19p13.13.
Variant type: single nucleotide variant.
Coding change: c.29C>T on transcript NM_052876.4 (MANE Select); coding-DNA position 29, C replaced by T.
Protein change: p.Pro10Leu; replaces proline 10 with leucine.
Molecular consequence: missense variant.
Genome position (GRCh38, 1-based): chr19:13,135,236, C>T. VCF-style: chr19-13135236-C-T. GRCh37 (hg19) VCF-style: chr19-13246050-C-T.
Other names: short protein forms P10L.
Identifiers: ClinVar variation 1305856 (VCV001305856.4), dbSNP rs2019685036, ClinGen allele CA404323931.
Genomic context (GRCh38, chr19:13,135,236, plus strand): 5'-CATTCCTCCCTGCCCCTCGTGCAGCCGCTGCCATGGCCCAGACACTGCAGATGGAGATCC[C>T]GAACTTCGGCAACAGCATCCTGGAGTGCCTCAATGAACAGCGGCTGCAGGGCCTGTACTG-3'
Protein context (NP_443108.1, residues 1-20): MAQTLQMEI[Pro10Leu]NFGNSILECL